The following is an entry in ClinVar:

ClinVar aggregate classification (germline): Uncertain significance (1 of 4 stars; one submission).

Conditions:
Developmental and epileptic encephalopathy, 30 (DEE30). Also called: Epileptic encephalopathy, early infantile, 30. Identifiers: MedGen C4225360, MONDO:0014595, OMIM 616341.

Submission:

Labcorp Genetics (formerly Invitae), Labcorp
Classification: Uncertain significance for Developmental and epileptic encephalopathy, 30. Last evaluated: 2023-09-20. Review status: criteria provided, single submitter. Criteria: Invitae Variant Classification Sherloc (09022015). Collection method: clinical testing. Allele origin: germline.
Comment: In summary, the available evidence is currently insufficient to determine the role of this variant in disease. Therefore, it has been classified as a Variant of Uncertain Significance. Advanced modeling of protein sequence and biophysical properties (such as structural, functional, and spatial information, amino acid conservation, physicochemical variation, residue mobility, and thermodynamic stability) performed at Invitae indicates that this missense variant is not expected to disrupt SIK1 protein function. This variant has not been reported in the literature in individuals affected with SIK1-related conditions. The frequency data for this variant in the population databases is considered unreliable, as metrics indicate poor data quality at this position in the gnomAD database. This sequence change replaces threonine, which is neutral and polar, with lysine, which is basic and polar, at codon 231 of the SIK1 protein (p.Thr231Lys).

NM_173354.5(SIK1):c.692C>A (p.Thr231Lys)

Gene: SIK1 (salt inducible kinase 1; minus strand). Cytogenetic location: 21q22.3.
Variant type: single nucleotide variant.
Coding change: c.692C>A on transcript NM_173354.5 (MANE Select); coding-DNA position 692, C replaced by A.
Protein change: p.Thr231Lys; replaces threonine 231 with lysine.
Molecular consequence: missense variant.
Genome position (GRCh38, 1-based): chr21:43,421,066, G>T on the plus strand (C>A on the coding strand, the complement: SIK1 is on the minus strand). VCF-style: chr21-43421066-G-T. GRCh37 (hg19) VCF-style: chr21-44840946-G-T.
Other names: short protein forms T231K.
Identifiers: ClinVar variation 2850311 (VCV002850311.3), dbSNP rs770894429, ClinGen allele CA321327428.